The following is an entry in ClinVar:

NM_018684.4(ZC4H2):c.225+4C>T

Gene: ZC4H2 (zinc finger C4H2-type containing; minus strand). Cytogenetic location: Xq11.2.
Variant type: single nucleotide variant.
Coding change: c.225+4C>T on transcript NM_018684.4 (MANE Select); 4 bases into the intron after coding-DNA position 225, C replaced by T.
Molecular consequence: intron variant.
Genome position (GRCh38, 1-based): chrX:64,921,813, G>A on the plus strand (C>T on the coding strand, the complement: ZC4H2 is on the minus strand). VCF-style: chrX-64921813-G-A. GRCh37 (hg19) VCF-style: chrX-64141693-G-A.
Other names: c.156+4C>T (NM_001243804.2, NM_001178032.3); c.225+4C>T (NM_001178033.3).
Identifiers: ClinVar variation 3628731 (VCV003628731.3).

ClinVar aggregate classification (germline): Conflicting classifications of pathogenicity. Review status: criteria provided, conflicting classifications (1 of 4 stars). 2 submissions from 2 submitters: Uncertain significance (1); Likely benign (1). Last evaluated 2024-03-24.

gnomAD v4.1: 13 of 1,209,100 alleles (0.0011%); highest among the groups gnomAD compares: Middle Eastern, 0.023%; no homozygotes.

Submissions (2):

Labcorp Genetics (formerly Invitae), Labcorp
Classification: Uncertain significance. Last evaluated: 2024-03-24. Review status: criteria provided, single submitter. Criteria: Invitae Variant Classification Sherloc (09022015). Collection method: clinical testing. Allele origin: germline.
Comment: This sequence change falls in intron 2 of the ZC4H2 gene. It does not directly change the encoded amino acid sequence of the ZC4H2 protein. It affects a nucleotide within the consensus splice site. The frequency data for this variant in the population databases is considered unreliable, as metrics indicate poor data quality at this position in the gnomAD database. This variant has not been reported in the literature in individuals affected with ZC4H2-related conditions. Variants that disrupt the consensus splice site are a relatively common cause of aberrant splicing (PMID: 17576681, 9536098). Algorithms developed to predict the effect of sequence changes on RNA splicing suggest that this variant is not likely to affect RNA splicing. In summary, the available evidence is currently insufficient to determine the role of this variant in disease. Therefore, it has been classified as a Variant of Uncertain Significance.

Blueprint Genetics
Classification: Likely benign. Last evaluated: 2023-12-22. Review status: criteria provided, single submitter. Criteria: ACMG Guidelines, 2015. Collection method: clinical testing. Allele origin: germline.

Literature cited by the submitters: PubMed 17576681 (cited by Labcorp Genetics (formerly Invitae), Labcorp); PubMed 9536098 (cited by Labcorp Genetics (formerly Invitae), Labcorp).